The following is an entry in ClinVar:

ClinVar aggregate classification (germline): Uncertain significance. Review status: criteria provided, multiple submitters, no conflicts (2 of 4 stars). 2 submissions from 2 submitters: Uncertain significance (2). Last evaluated 2026-02-24.

Conditions:
Hereditary cancer-predisposing syndrome. Also called: Tumor predisposition; Hereditary neoplastic syndrome; Hereditary Cancer Syndrome; Neoplastic Syndromes, Hereditary. Identifiers: Orphanet 140162, MedGen C0027672, MeSH D009386, MONDO:0015356.

Allele frequency attached by ClinVar (database versions not stated): gnomAD exomes below 0.00001.
gnomAD v4.1: 3 of 1,613,328 alleles (0.00019%); highest among the groups gnomAD compares: Non-Finnish European, 0.00017%; no homozygotes.

Submissions (2):

Ambry Genetics
Classification: Uncertain significance for Hereditary cancer-predisposing syndrome. Last evaluated: 2026-02-24. Review status: criteria provided, single submitter. Criteria: Ambry Variant Classification Scheme 2023. Collection method: clinical testing. Allele origin: germline.
Comment: The p.E725K variant (also known as c.2173G>A), located in coding exon 14 of the CTNNA1 gene, results from a G to A substitution at nucleotide position 2173. The glutamic acid at codon 725 is replaced by lysine, an amino acid with similar properties. This amino acid position is highly conserved in available vertebrate species. In addition, this alteration is predicted to be deleterious by in silico analysis. Based on the available evidence, the clinical significance of this variant remains unclear.

Labcorp Genetics (formerly Invitae), Labcorp
Classification: Uncertain significance. Last evaluated: 2024-11-06. Review status: criteria provided, single submitter. Criteria: Invitae Variant Classification Sherloc (09022015). Collection method: clinical testing. Allele origin: germline.
Comment: This sequence change replaces glutamic acid, which is acidic and polar, with lysine, which is basic and polar, at codon 725 of the CTNNA1 protein (p.Glu725Lys). This variant is not present in population databases (gnomAD no frequency). This variant has not been reported in the literature in individuals affected with CTNNA1-related conditions. ClinVar contains an entry for this variant (Variation ID: 956813). Invitae Evidence Modeling of protein sequence and biophysical properties (such as structural, functional, and spatial information, amino acid conservation, physicochemical variation, residue mobility, and thermodynamic stability) indicates that this missense variant is expected to disrupt CTNNA1 protein function with a positive predictive value of 80%. In summary, the available evidence is currently insufficient to determine the role of this variant in disease. Therefore, it has been classified as a Variant of Uncertain Significance.

NM_001903.5(CTNNA1):c.2173G>A (p.Glu725Lys)

Gene: CTNNA1 (catenin alpha 1; plus strand). Cytogenetic location: 5q31.2.
Variant type: single nucleotide variant.
Coding change: c.2173G>A on transcript NM_001903.5 (MANE Select); coding-DNA position 2173, G replaced by A.
Protein change: p.Glu725Lys; replaces glutamic acid 725 with lysine.
Molecular consequence: missense variant.
Genome position (GRCh38, 1-based): chr5:138,930,635, G>A. VCF-style: chr5-138930635-G-A. GRCh37 (hg19) VCF-style: chr5-138266324-G-A.
Other names: c.2173G>A, p.Glu725Lys (NM_001290307.3, NM_001323982.2, NM_001323983.1 and 2 more transcripts); c.1864G>A, p.Glu622Lys (NM_001290309.3); c.1804G>A, p.Glu602Lys (NM_001290310.3); c.1063G>A, p.Glu355Lys (NM_001290312.1, NM_001323987.1, NM_001323988.1 and 17 more transcripts); c.2080G>A, p.Glu694Lys (NM_001323986.2); c.724G>A, p.Glu242Lys (NM_001324010.1, NM_001324006.1, NM_001324007.1 and 2 more transcripts); c.970G>A, p.Glu324Lys (NM_001324011.1); c.820G>A, p.Glu274Lys (NM_001324012.1, NM_001324013.1); and 1 more; short protein forms E355K, E694K, E274K, E324K, E725K, E602K, E622K, E242K.
Identifiers: ClinVar variation 956813 (VCV000956813.8), dbSNP rs1765095247, ClinGen allele CA361133684.